The following is an entry in ClinVar:

ClinVar aggregate classification (germline): Conflicting classifications of pathogenicity. Review status: criteria provided, conflicting classifications (1 of 4 stars). 2 submissions from 2 submitters: Uncertain significance (1); Likely benign (1). Last evaluated 2023-03-23.

Conditions:
Hereditary cancer-predisposing syndrome. Also called: Neoplastic Syndromes, Hereditary; Tumor predisposition; Hereditary Cancer Syndrome; Hereditary neoplastic syndrome. Identifiers: Orphanet 140162, MedGen C0027672, MeSH D009386, MONDO:0015356.

Submissions (2):

University of Washington Department of Laboratory Medicine, University of Washington
Classification: Likely benign for Hereditary cancer-predisposing syndrome. Last evaluated: 2023-03-23. Review status: criteria provided, single submitter. Criteria: Dines et al. (Genet Med. 2020). Collection method: curation. Allele origin: germline.
Comment: Missense variant in a coldspot region where missense variants are very unlikely to be pathogenic (PMID:31911673).

BRCA2 exon 11 coldspot. Reclassification based on statistical prior probability.

Ambry Genetics
Classification: Uncertain significance for Hereditary cancer-predisposing syndrome. Last evaluated: 2022-07-17. Review status: criteria provided, single submitter. Criteria: Ambry Variant Classification Scheme 2023. Collection method: clinical testing. Allele origin: germline.
Comment: The p.M1168V variant (also known as c.3502A>G), located in coding exon 10 of the BRCA2 gene, results from an A to G substitution at nucleotide position 3502. The methionine at codon 1168 is replaced by valine, an amino acid with highly similar properties. This variant was identified in 1/826 unselected Chinese ovarian cancer patients (Wu X et al. Int J Gynecol Cancer, 2017 10;27:1650-1657). This amino acid position is poorly conserved in available vertebrate species. In addition, this alteration is predicted to be tolerated by in silico analysis. Since supporting evidence is limited at this time, the clinical significance of this alteration remains unclear.

Literature cited by the submitters: PubMed 28692638 (cited by Ambry Genetics).

NM_000059.4(BRCA2):c.3502A>G (p.Met1168Val)

Gene: BRCA2 (BRCA2 DNA repair associated; plus strand). Cytogenetic location: 13q13.1.
Variant type: single nucleotide variant.
Coding change: c.3502A>G on transcript NM_000059.4 (MANE Select); coding-DNA position 3502, A replaced by G.
Protein change: p.Met1168Val; replaces methionine 1168 with valine.
Molecular consequence: missense variant.
Genome position (GRCh38, 1-based): chr13:32,337,857, A>G. VCF-style: chr13-32337857-A-G. GRCh37 (hg19) VCF-style: chr13-32911994-A-G.
Other names: c.3502A>G, p.Met1168Val (NM_001406719.1, NM_001406720.1); short protein forms M1168V.
Identifiers: ClinVar variation 1732081 (VCV001732081.4), dbSNP rs2137497299, ClinGen allele CA387776952.